The following is an entry in ClinVar:

NM_004484.4(GPC3):c.1012G>A (p.Ala338Thr)

Gene: GPC3 (glypican 3; minus strand). Cytogenetic location: Xq26.2.
Variant type: single nucleotide variant.
Coding change: c.1012G>A on transcript NM_004484.4 (MANE Select); coding-DNA position 1012, G replaced by A.
Protein change: p.Ala338Thr; replaces alanine 338 with threonine.
Molecular consequence: missense variant.
Genome position (GRCh38, 1-based): chrX:133,753,502, C>T on the plus strand (G>A on the coding strand, the complement: GPC3 is on the minus strand). VCF-style: chrX-133753502-C-T. GRCh37 (hg19) VCF-style: chrX-132887529-C-T.
Other names: c.1012G>A, p.Ala338Thr (NM_001164617.2); c.964G>A, p.Ala322Thr (NM_001164618.2); c.850G>A, p.Ala284Thr (NM_001164619.2); short protein forms A338T, A284T, A322T.
Identifiers: ClinVar variation 2144384 (VCV002144384.5), dbSNP rs1183737513, ClinGen allele CA414705045.

ClinVar aggregate classification (germline): Uncertain significance. Review status: criteria provided, multiple submitters, no conflicts (2 of 4 stars). 2 submissions from 2 submitters: Uncertain significance (2). Last evaluated 2024-05-10.

Conditions:
Simpson-Golabi-Behmel syndrome type 1 (SGBS1). Also called: GPC3-Related Simpson-Golabi-Behmel Syndrome Type 1; DYSPLASIA GIGANTISM SYNDROME, X-LINKED; GOLABI-ROSEN SYNDROME; SIMPSON DYSMORPHIA SYNDROME; BULLDOG SYNDROME. Identifiers: Orphanet 373, MedGen C0796154, MONDO:0020602, OMIM 312870.
Wilms tumor 1 (WT1). Also called: Wilms tumor, somatic. Identifiers: Orphanet 654, MedGen CN033288, MONDO:0008679, OMIM 194070.

Allele frequency attached by ClinVar (database versions not stated): TOPMed below 0.00001; gnomAD 0.00001.
gnomAD v4.1: 1 of 1,206,990 alleles (0.000083%); highest among the groups gnomAD compares: African/African-American, 0.0018%; no homozygotes.

Submissions (2):

Fulgent Genetics
Classification: Uncertain significance for Wilms tumor 1; Simpson-Golabi-Behmel syndrome type 1. Last evaluated: 2024-05-10. Review status: criteria provided, single submitter. Criteria: ACMG Guidelines, 2015. Collection method: clinical testing. Allele origin: germline.

Labcorp Genetics (formerly Invitae), Labcorp
Classification: Uncertain significance for Wilms tumor 1. Last evaluated: 2022-06-07. Review status: criteria provided, single submitter. Criteria: Invitae Variant Classification Sherloc (09022015). Collection method: clinical testing. Allele origin: germline.
Comment: This variant has not been reported in the literature in individuals affected with GPC3-related conditions. Algorithms developed to predict the effect of missense changes on protein structure and function (SIFT, PolyPhen-2, Align-GVGD) all suggest that this variant is likely to be tolerated. In summary, the available evidence is currently insufficient to determine the role of this variant in disease. Therefore, it has been classified as a Variant of Uncertain Significance. This variant is not present in population databases (gnomAD no frequency). This sequence change replaces alanine, which is neutral and non-polar, with threonine, which is neutral and polar, at codon 338 of the GPC3 protein (p.Ala338Thr).